The following is an entry in ClinVar:

ClinVar aggregate classification (germline): Likely pathogenic (1 of 4 stars; one submission).

Conditions:
Osteosclerotic metaphyseal dysplasia (OSMD). Identifiers: Orphanet 500548, MedGen C3554665, MONDO:0014080, OMIM 615198.

gnomAD v4.1: 3 of 1,613,988 alleles (0.00019%); highest among the groups gnomAD compares: East Asian, 0.0022%; no homozygotes.

Submission:

First Genomix Gene Laboratory, Genetic Diagnostics Department
Classification: Likely pathogenic for Osteosclerotic metaphyseal dysplasia. Last evaluated: 2025-08-05. Review status: criteria provided, single submitter. Criteria: ACMG Guidelines, 2015. Collection method: clinical testing. Allele origin: germline. Inheritance: Autosomal recessive inheritance. Affected: no. Observed: 1 variant allele.

NM_024652.6(LRRK1):c.5851C>T (p.Arg1951Ter)

Genes: LRRK1 (leucine rich repeat kinase 1; plus strand), LRRK1-AS1 (LRRK1 antisense RNA 1; minus strand). Cytogenetic location: 15q26.3.
Variant type: single nucleotide variant.
Coding change: c.5851C>T on transcript NM_024652.6 (MANE Select); coding-DNA position 5851, C replaced by T.
Protein change: p.Arg1951Ter; replaces arginine 1951 with a stop codon.
Molecular consequence: nonsense.
Genome position (GRCh38, 1-based): chr15:101,066,722, C>T. VCF-style: chr15-101066722-C-T. GRCh37 (hg19) VCF-style: chr15-101606927-C-T.
Other names: short protein forms R1951*.
Identifiers: ClinVar variation 4850593 (VCV004850593.1).